The following is an entry in ClinVar:

NC_000007.14:g.(?_5999098)_(6006041_?)del

Gene: PMS2 (PMS1 homolog 2, mismatch repair system component; minus strand). Cytogenetic location: 7p22.1.
Variant type: Deletion.
Identifiers: ClinVar variation 649622 (VCV000649622.8).

ClinVar aggregate classification (germline): Pathogenic (1 of 4 stars; one submission).

Conditions:
Hereditary nonpolyposis colorectal neoplasms. Identifiers: MedGen C0009405, MeSH D003123.

Submission:

Labcorp Genetics (formerly Invitae), Labcorp
Classification: Pathogenic for Hereditary nonpolyposis colorectal neoplasms. Last evaluated: 2022-11-23. Review status: criteria provided, single submitter. Criteria: Invitae Variant Classification Sherloc (09022015). Collection method: clinical testing. Allele origin: germline.
Comment: For these reasons, this variant has been classified as Pathogenic. This variant has not been reported in the literature in individuals affected with PMS2-related conditions. This variant is a gross deletion of the genomic region encompassing exon(s) 2-6 of the PMS2 gene. This deletion is out-of-frame, and is expected to create a premature termination codon and result in an absent or disrupted protein product. Loss-of-function variants in PMS2 are known to be pathogenic (PMID: 21376568, 24362816).

Literature cited by the submitters: PubMed 21376568; PubMed 24362816.